The following is an entry in ClinVar:

NM_000535.7(PMS2):c.2137C>G (p.Gln713Glu)

Gene: PMS2 (PMS1 homolog 2, mismatch repair system component; minus strand). Cytogenetic location: 7p22.1.
Variant type: single nucleotide variant.
Coding change: c.2137C>G on transcript NM_000535.7 (MANE Select); coding-DNA position 2137, C replaced by G.
Protein change: p.Gln713Glu; replaces glutamine 713 with glutamic acid.
Molecular consequence: missense variant. On other transcripts: intron variant (4), non-coding transcript variant (1).
Genome position (GRCh38, 1-based): chr7:5,982,861, G>C on the plus strand (C>G on the coding strand, the complement: PMS2 is on the minus strand). VCF-style: chr7-5982861-G-C. GRCh37 (hg19) VCF-style: chr7-6022492-G-C.
Other names: c.1732C>G, p.Gln578Glu (NM_001322003.2, NM_001322004.2, NM_001322005.2 and 14 more transcripts); c.1981C>G, p.Gln661Glu (NM_001322006.2, NM_001406870.1); c.1819C>G, p.Gln607Glu (NM_001322007.2, NM_001322008.2, NM_001406876.1 and 1 more transcripts); c.1576C>G, p.Gln526Glu (NM_001322010.2, NM_001406906.1, NM_001406907.1); c.1204C>G, p.Gln402Glu (NM_001322011.2, NM_001322012.2); c.2006+3898C>G (NM_001406872.1); c.1828C>G, p.Gln610Glu (NM_001406875.1, NM_001406877.1, NM_001406878.1 and 5 more transcripts); c.1672C>G, p.Gln558Glu (NM_001406900.1); and 16 more; short protein forms Q522E, Q555E, Q605E, Q713E, Q721E, Q775E, Q312E, Q402E.
Identifiers: ClinVar variation 4826898 (VCV004826898.1).
Genomic context (GRCh38, chr7:5,982,861, plus strand): 5'-GAATGAACACTAAACACACTCACGCTATGAGCCTCTGCCCCTGGAGCACGGTGTGCTGCT[G>C]CAGCATCTCGAAGTTATACTTCTCGTCCGTGGCATGCTGGTCCACTATGAAGATATCCTC-3'
Protein context (NP_000526.2, residues 703-723): TDEKYNFEML[Gln713Glu]QHTVLQGQRL

ClinVar aggregate classification (germline): Uncertain significance (1 of 4 stars; one submission).

Conditions:
Hereditary cancer-predisposing syndrome. Also called: Neoplastic Syndromes, Hereditary; Tumor predisposition; Hereditary Cancer Syndrome; Hereditary neoplastic syndrome. Identifiers: Orphanet 140162, MedGen C0027672, MeSH D009386, MONDO:0015356.

Submission:

Ambry Genetics
Classification: Uncertain significance for Hereditary cancer-predisposing syndrome. Last evaluated: 2026-03-06. Review status: criteria provided, single submitter. Criteria: Ambry Variant Classification Scheme 2023. Collection method: clinical testing. Allele origin: germline.
Comment: The p.Q713E variant (also known as c.2137C>G), located in coding exon 12 of the PMS2 gene, results from a C to G substitution at nucleotide position 2137. The glutamine at codon 713 is replaced by glutamic acid, an amino acid with highly similar properties. This amino acid position is conserved. In addition, the in silico prediction for this alteration is inconclusive. Based on the available evidence, the clinical significance of this variant remains unclear.